The following is an entry in ClinVar:

ClinVar aggregate classification (germline): Uncertain significance (1 of 4 stars; one submission).

Submission:

Greenwood Genetic Center Diagnostic Laboratories, Greenwood Genetic Center
Classification: Uncertain significance. Last evaluated: 2026-05-20. Review status: criteria provided, single submitter. Criteria: ACMG Guidelines, 2015. Collection method: clinical testing. Allele origin: germline.
Comment: Gene of Uncertain Significance

NM_004661.4(CDC23):c.941C>A (p.Ser314Ter)

Gene: CDC23 (cell division cycle 23; minus strand). Cytogenetic location: 5q31.2.
Variant type: single nucleotide variant.
Coding change: c.941C>A on transcript NM_004661.4 (MANE Select); coding-DNA position 941, C replaced by A.
Protein change: p.Ser314Ter; replaces serine 314 with a stop codon.
Molecular consequence: nonsense.
Genome position (GRCh38, 1-based): chr5:138,198,270, G>T on the plus strand (C>A on the coding strand, the complement: CDC23 is on the minus strand). VCF-style: chr5-138198270-G-T. GRCh37 (hg19) VCF-style: chr5-137533959-G-T.
Other names: short protein forms S314*.
Identifiers: ClinVar variation 4891095 (VCV004891095.1).
Genomic context (GRCh38, chr5:138,198,270, plus strand): 5'-CACGTTTCTACACGATATTTATCAATCTCACAGAGGTTATGAGCCAGATAACTCAACTCC[G>T]ATTTCATGCTCTGGGATAAAAGAAAAAGACAATATAAGCATGAAAAAAGAACTCCCTAAA-3'